The following is an entry in ClinVar:

ClinVar aggregate classification (germline): Uncertain significance (1 of 4 stars; one submission).

Conditions:
Lipodystrophy, partial, acquired, susceptibility to (APLD). Also called: APLD, SUSCEPTIBILITY TO. Identifiers: MedGen C3887501, MONDO:0100476, OMIM 608709.
Progressive myoclonic epilepsy type 9. Identifiers: Orphanet 457265, MedGen C4225289, MONDO:0014685, OMIM 616540.

Allele frequency attached by ClinVar (database versions not stated): TOPMed 0.00001.
gnomAD v4.1: 17 of 992,814 alleles (0.0017%); highest among the groups gnomAD compares: Non-Finnish European, 0.0019%; no homozygotes.

Submission:

Labcorp Genetics (formerly Invitae), Labcorp
Classification: Uncertain significance for Progressive myoclonic epilepsy type 9; Lipodystrophy, partial, acquired, susceptibility to. Last evaluated: 2024-05-16. Review status: criteria provided, single submitter. Criteria: Invitae Variant Classification Sherloc (09022015). Collection method: clinical testing. Allele origin: germline.
Comment: This sequence change replaces proline, which is neutral and non-polar, with arginine, which is basic and polar, at codon 3 of the LMNB2 protein (p.Pro3Arg). The frequency data for this variant in the population databases is considered unreliable, as metrics indicate insufficient coverage at this position in the gnomAD database. This variant has not been reported in the literature in individuals affected with LMNB2-related conditions. ClinVar contains an entry for this variant (Variation ID: 1414504). Experimental studies and prediction algorithms are not available or were not evaluated, and the functional significance of this variant is currently unknown. In summary, the available evidence is currently insufficient to determine the role of this variant in disease. Therefore, it has been classified as a Variant of Uncertain Significance.

NM_032737.4(LMNB2):c.8C>G (p.Pro3Arg)

Genes: LMNB2 (lamin B2; minus strand), LOC130063066 (ATAC-STARR-seq lymphoblastoid silent region 9792; plus strand). Cytogenetic location: 19p13.3.
Variant type: single nucleotide variant.
Coding change: c.8C>G on transcript NM_032737.4 (MANE Select); coding-DNA position 8, C replaced by G.
Protein change: p.Pro3Arg; replaces proline 3 with arginine.
Molecular consequence: missense variant.
Genome position (GRCh38, 1-based): chr19:2,456,926, G>C on the plus strand (C>G on the coding strand, the complement: LMNB2 is on the minus strand). VCF-style: chr19-2456926-G-C. GRCh37 (hg19) VCF-style: chr19-2456924-G-C.
Other names: short protein forms P3R.
Identifiers: ClinVar variation 1414504 (VCV001414504.8), dbSNP rs1972098760, ClinGen allele CA403260240.